The following is an entry in ClinVar:

ClinVar aggregate classification (germline): Likely benign (1 of 4 stars; one submission).

Allele frequency attached by ClinVar (database versions not stated): 1000 Genomes Project 30x 0.00265; 1000 Genomes Project 0.00280; TOPMed 0.00312; ESP Exome Variant Server 0.00393; gnomAD exomes 0.00624; gnomAD 0.00672; ExAC 0.01689.
gnomAD v4.1: 9,787 of 1,563,412 alleles (0.63%); highest among the groups gnomAD compares: Middle Eastern, 0.75%; 98 homozygotes.

Submission:

CeGaT Center for Human Genetics Tuebingen
Classification: Likely benign. Last evaluated: 2023-03-01. Review status: criteria provided, single submitter. Criteria: CeGaT Center For Human Genetics Tuebingen Variant Classification Criteria Version 2. Collection method: clinical testing. Allele origin: germline. Affected: yes. Observed: 2 variant alleles.
Comment: STAB1: BP4, BS2

NM_015136.3(STAB1):c.584-5C>T

Gene: STAB1 (stabilin 1; plus strand). Cytogenetic location: 3p21.1.
Variant type: single nucleotide variant.
Coding change: c.584-5C>T on transcript NM_015136.3 (MANE Select); 5 bases into the intron before coding-DNA position 584, C replaced by T.
Molecular consequence: intron variant.
Genome position (GRCh38, 1-based): chr3:52,502,994, C>T. VCF-style: chr3-52502994-C-T. GRCh37 (hg19) VCF-style: chr3-52537010-C-T.
Identifiers: ClinVar variation 2653890 (VCV002653890.24), dbSNP rs138643169, ClinGen allele CA2440225.